The following is an entry in ClinVar:

ClinVar aggregate classification (germline): Likely benign (0 of 4 stars; one submission).

Conditions:
FNDC3B-related disorder. Also called: FNDC3B-related condition.

Allele frequency attached by ClinVar (database versions not stated): ExAC 0.00011; 1000 Genomes Project 30x 0.00016; 1000 Genomes Project 0.00020; gnomAD 0.00021; ESP Exome Variant Server 0.00054.
gnomAD v4.1: 67 of 1,614,128 alleles (0.0042%); highest among the groups gnomAD compares: African/African-American, 0.069%; no homozygotes.

Submission:

PreventionGenetics, part of Exact Sciences
Classification: Likely benign for FNDC3B-related condition. Last evaluated: 2019-11-06. Review status: no assertion criteria provided. Collection method: clinical testing. Allele origin: germline.
Comment: This variant is classified as likely benign based on ACMG/AMP sequence variant interpretation guidelines (Richards et al. 2015 PMID: 25741868, with internal and published modifications).

NM_022763.4(FNDC3B):c.2568G>T (p.Thr856=)

Gene: FNDC3B (fibronectin type III domain containing 3B; plus strand). Cytogenetic location: 3q26.31.
Variant type: single nucleotide variant.
Coding change: c.2568G>T on transcript NM_022763.4 (MANE Select); coding-DNA position 2568, G replaced by T.
Protein change: p.Thr856=; no amino-acid change (threonine 856 retained).
Molecular consequence: synonymous variant.
Genome position (GRCh38, 1-based): chr3:172,352,856, G>T. VCF-style: chr3-172352856-G-T. GRCh37 (hg19) VCF-style: chr3-172070646-G-T.
Other names: c.2568G>T, p.Thr856= (NM_001135095.2).
Identifiers: ClinVar variation 3045374 (VCV003045374.2), dbSNP rs113685139, ClinGen allele CA2706071.